The following is an entry in ClinVar:

NM_006030.4(CACNA2D2):c.3218C>A (p.Pro1073Gln)

Genes: CACNA2D2 (calcium voltage-gated channel auxiliary subunit alpha2delta 2; minus strand), LOC127898564 (CYB561D2-LOC101928965; plus strand). Cytogenetic location: 3p21.31.
Variant type: single nucleotide variant.
Coding change: c.3218C>A on transcript NM_006030.4 (MANE Select); coding-DNA position 3218, C replaced by A.
Protein change: p.Pro1073Gln; replaces proline 1073 with glutamine.
Molecular consequence: missense variant.
Genome position (GRCh38, 1-based): chr3:50,364,961, G>T on the plus strand (C>A on the coding strand, the complement: CACNA2D2 is on the minus strand). VCF-style: chr3-50364961-G-T. GRCh37 (hg19) VCF-style: chr3-50402392-G-T.
Other names: c.3224C>A, p.Pro1075Gln (NM_001005505.3); c.3239C>A, p.Pro1080Gln (NM_001174051.3); c.3017C>A, p.Pro1006Gln (NM_001291101.1); short protein forms P1006Q, P1073Q, P1075Q, P1080Q.
Identifiers: ClinVar variation 1025987 (VCV001025987.6), dbSNP rs753600233, ClinGen allele CA352900543.

ClinVar aggregate classification (germline): Uncertain significance (1 of 4 stars; one submission).

Conditions:
Early-infantile DEE. Also called: Ohtahara syndrome; Early infantile epileptic encephalopathy; Early infantile epileptic encephalopathy with suppression bursts. Identifiers: Orphanet 1934, MedGen C0393706, MONDO:0800491.

Submission:

Labcorp Genetics (formerly Invitae), Labcorp
Classification: Uncertain significance for Early-infantile DEE. Last evaluated: 2020-07-31. Review status: criteria provided, single submitter. Criteria: Invitae Variant Classification Sherloc (09022015). Collection method: clinical testing. Allele origin: germline.
Comment: This sequence change replaces proline with glutamine at codon 1073 of the CACNA2D2 protein (p.Pro1073Gln). The proline residue is moderately conserved and there is a moderate physicochemical difference between proline and glutamine. This variant is not present in population databases (ExAC no frequency). This variant has not been reported in the literature in individuals with CACNA2D2-related conditions. Algorithms developed to predict the effect of missense changes on protein structure and function are either unavailable or do not agree on the potential impact of this missense change (SIFT: "Deleterious"; PolyPhen-2: "Benign"; Align-GVGD: "Class C0"). In summary, the available evidence is currently insufficient to determine the role of this variant in disease. Therefore, it has been classified as a Variant of Uncertain Significance.